The following is an entry in ClinVar:

NM_002335.4(LRP5):c.4142del (p.Pro1381fs)

Gene: LRP5 (LDL receptor related protein 5; plus strand). Cytogenetic location: 11q13.2.
Variant type: Deletion.
Coding change: c.4142del on transcript NM_002335.4 (MANE Select); coding-DNA position 4142, one base deleted (C; older notation c.4142delC).
Protein change: p.Pro1381fs; shifts the reading frame from proline 1381.
Molecular consequence: frameshift variant.
Genome position (GRCh38, 1-based): chr11:68,438,476, C deleted; the last of 3 consecutive C bases (chr11:68,438,474-68,438,476); deleting any one gives the same sequence. VCF-style (leftmost placement, unchanged base first): chr11-68438473-GC-G. GRCh37 (hg19) VCF-style: chr11-68205941-GC-G.
Other names: c.2399del, p.Pro800fs (NM_001291902.2); short protein forms P800fs, P1381fs.
Identifiers: ClinVar variation 1375486 (VCV001375486.6), dbSNP rs2153181207, ClinGen allele CA2573147532.

ClinVar aggregate classification (germline): Pathogenic (1 of 4 stars; one submission).

Submission:

Labcorp Genetics (formerly Invitae), Labcorp
Classification: Pathogenic. Last evaluated: 2021-09-01. Review status: criteria provided, single submitter. Criteria: Invitae Variant Classification Sherloc (09022015). Collection method: clinical testing. Allele origin: germline.
Comment: This sequence change creates a premature translational stop signal (p.Pro1381Argfs*58) in the LRP5 gene. It is expected to result in an absent or disrupted protein product. Loss-of-function variants in LRP5 are known to be pathogenic (PMID: 11719191, 16252235, 25711638). This variant is not present in population databases (ExAC no frequency). This variant has not been reported in the literature in individuals affected with LRP5-related conditions. For these reasons, this variant has been classified as Pathogenic.

Literature cited by the submitters: PubMed 11719191; PubMed 16252235; PubMed 25711638.